The following is an entry in ClinVar:

ClinVar aggregate classification (germline): Uncertain significance (1 of 4 stars; one submission).

gnomAD v4.1: 1 of 1,613,600 alleles (0.000062%); highest among the groups gnomAD compares: South Asian, 0.0011%; no homozygotes.

Submission:

GeneDx
Classification: Uncertain significance. Last evaluated: 2025-01-26. Review status: criteria provided, single submitter. Criteria: GeneDx Variant Classification Process June 2021. Collection method: clinical testing. Allele origin: germline. Affected: yes.
Comment: Not observed at significant frequency in large population cohorts (gnomAD); In silico analysis indicates that this missense variant does not alter protein structure/function; Has not been previously published as pathogenic or benign to our knowledge

NM_144573.4(NEXN):c.1196A>G (p.His399Arg)

Gene: NEXN (nexilin F-actin binding protein; plus strand). Cytogenetic location: 1p31.1.
Variant type: single nucleotide variant.
Coding change: c.1196A>G on transcript NM_144573.4 (MANE Select); coding-DNA position 1196, A replaced by G.
Protein change: p.His399Arg; replaces histidine 399 with arginine.
Molecular consequence: missense variant.
Genome position (GRCh38, 1-based): chr1:77,933,424, A>G. VCF-style: chr1-77933424-A-G. GRCh37 (hg19) VCF-style: chr1-78399109-A-G.
Other names: c.1004A>G, p.His335Arg (NM_001172309.2); short protein forms H335R, H399R.
Identifiers: ClinVar variation 4071912 (VCV004071912.1).